The following is an entry in ClinVar:

NM_024529.5(CDC73):c.1417+4A>G

Gene: CDC73 (cell division cycle 73; plus strand). Cytogenetic location: 1q31.2.
Variant type: single nucleotide variant.
Coding change: c.1417+4A>G on transcript NM_024529.5 (MANE Select); 4 bases into the intron after coding-DNA position 1417, A replaced by G.
Molecular consequence: intron variant.
Genome position (GRCh38, 1-based): chr1:193,236,360, A>G. VCF-style: chr1-193236360-A-G. GRCh37 (hg19) VCF-style: chr1-193205490-A-G.
Identifiers: ClinVar variation 3227859 (VCV003227859.1), dbSNP rs2527500926, ClinGen allele CA2649631558.

ClinVar aggregate classification (germline): Uncertain significance (1 of 4 stars; one submission).

Conditions:
Hereditary cancer-predisposing syndrome. Also called: Neoplastic Syndromes, Hereditary; Tumor predisposition; Hereditary neoplastic syndrome; Hereditary Cancer Syndrome. Identifiers: Orphanet 140162, MedGen C0027672, MeSH D009386, MONDO:0015356.

Submission:

Ambry Genetics
Classification: Uncertain significance for Hereditary cancer-predisposing syndrome. Last evaluated: 2023-11-29. Review status: criteria provided, single submitter. Criteria: Ambry Variant Classification Scheme 2023. Collection method: clinical testing. Allele origin: germline.
Comment: The c.1417+4A>G intronic variant results from an A to G substitution 4 nucleotides after coding exon 15 in the CDC73 gene. This nucleotide position is highly conserved in available vertebrate species. In silico splice site analysis predicts that this alteration will weaken the native splice donor site; however, direct evidence is insufficient at this time (Ambry internal data). Since supporting evidence is limited at this time, the clinical significance of this alteration remains unclear.